The following is an entry in ClinVar:

NM_203447.4(DOCK8):c.3021T>C (p.Phe1007=)

Gene: DOCK8 (dedicator of cytokinesis 8; plus strand). Cytogenetic location: 9p24.3.
Variant type: single nucleotide variant.
Coding change: c.3021T>C on transcript NM_203447.4 (MANE Select); coding-DNA position 3021, T replaced by C.
Protein change: p.Phe1007=; no amino-acid change (phenylalanine 1007 retained).
Molecular consequence: synonymous variant.
Genome position (GRCh38, 1-based): chr9:396,835, T>C. VCF-style: chr9-396835-T-C. GRCh37 (hg19) VCF-style: chr9-396835-T-C.
Other names: p.F939F:TTT>TTC; p.Phe1007=; c.2721T>C, p.Phe907= (NM_001190458.2); c.2817T>C, p.Phe939= (NM_001193536.2).
Identifiers: ClinVar variation 137142 (VCV000137142.21), dbSNP rs7034926, ClinGen allele CA182981.

ClinVar aggregate classification (germline): Benign. Review status: criteria provided, multiple submitters, no conflicts (2 of 4 stars). 7 submissions from 7 submitters: Benign (7). Last evaluated 2026-02-04.

Conditions:
Combined immunodeficiency due to DOCK8 deficiency (HIES2). Also called: HYPER-IgE SYNDROME 2, AUTOSOMAL RECESSIVE, WITH RECURRENT INFECTIONS; DOCK8 Deficiency; HIES autosomal recessive; HYPER-IgE RECURRENT INFECTION SYNDROME 2, AUTOSOMAL RECESSIVE; Hyper-IgE recurrent infection syndrome, autosomal recessive. Identifiers: Orphanet 217390, MedGen C4722305, MONDO:0009478, OMIM 243700.

Allele frequency attached by ClinVar (database versions not stated): gnomAD exomes 0.00289 and 0.00703; ExAC 0.00872; 1000 Genomes Project 0.02696; gnomAD 0.02720 and 0.02921; 1000 Genomes Project 30x 0.02951; TOPMed 0.03129; ESP Exome Variant Server 0.03183.
gnomAD v4.1: 8,573 of 1,614,142 alleles (0.53%); highest among the groups gnomAD compares: African/African-American, 9.3%; 356 homozygotes.

Submissions (7):

Labcorp Genetics (formerly Invitae), Labcorp
Classification: Benign for Combined immunodeficiency due to DOCK8 deficiency. Last evaluated: 2026-02-04. Review status: criteria provided, single submitter. Criteria: Invitae Variant Classification Sherloc (09022015). Collection method: clinical testing. Allele origin: germline.

Women's Health and Genetics/Laboratory Corporation of America, LabCorp
Classification: Benign. Last evaluated: 2026-01-22. Review status: criteria provided, single submitter. Criteria: LabCorp Variant Classification Summary - May 2015. Collection method: clinical testing. Allele origin: germline.

Mayo Clinic Laboratories, Mayo Clinic
Classification: Benign. Last evaluated: 2022-08-12. Review status: criteria provided, single submitter. Criteria: ACMG Guidelines, 2015. Collection method: clinical testing. Allele origin: germline. Observed: 15 variant alleles.

Illumina Laboratory Services, Illumina
Classification: Benign for Combined immunodeficiency due to DOCK8 deficiency. Last evaluated: 2018-01-13. Review status: criteria provided, single submitter. Criteria: ICSL Variant Classification Criteria 13 December 2019. Collection method: clinical testing. Allele origin: germline.
Comment: This variant was observed in the ICSL laboratory as part of a predisposition screen in an ostensibly healthy population. It had not been previously curated by ICSL or reported in the Human Gene Mutation Database (HGMD: prior to June 1st, 2018), and was therefore a candidate for classification through an automated scoring system. Utilizing variant allele frequency, disease prevalence and penetrance estimates, and inheritance mode, an automated score was calculated to assess if this variant is too frequent to cause the disease. Based on the score and internal cut-off values, a variant classified as benign is not then subjected to further curation. The score for this variant resulted in a classification of benign for this disease.

GeneDx
Classification: Benign. Last evaluated: 2014-03-06. Review status: criteria provided, single submitter. Criteria: GeneDx Variant Classification (06012015). Collection method: clinical testing. Allele origin: germline. Affected: yes.
Comment: This variant is considered likely benign or benign based on one or more of the following criteria: it is a conservative change, it occurs at a poorly conserved position in the protein, it is predicted to be benign by multiple in silico algorithms, and/or has population frequency not consistent with disease.

Laboratory for Molecular Medicine, Mass General Brigham Personalized Medicine
Classification: Benign. Last evaluated: 2013-02-21. Review status: criteria provided, single submitter. Criteria: LMM Criteria. Collection method: clinical testing. Allele origin: germline. Observed: 2 variant alleles.
Comment: Phe1007Phe in exon 25 of DOCK8: This variant is not expected to have clinical si gnificance because it does not alter an amino acid residue and is not located wi thin the splice consensus sequence. It has been identified in 9.3% (408/4406) of African American chromosomes from a broad population by the NHLBI Exome Sequenc ing Project (dbSNP rs7034926).

Breakthrough Genomics
Classification: Benign. Review status: criteria provided, single submitter. Criteria: ACMG Guidelines, 2015. Collection method: not provided. Allele origin: germline. Inheritance: Autosomal recessive inheritance. Affected: yes.